The following is an entry in ClinVar:

ClinVar aggregate classification (germline): Uncertain significance (1 of 4 stars; one submission).

Conditions:
MOGS-congenital disorder of glycosylation. Also called: MOGS-CDG; CDG IIb; GLUCOSIDASE I DEFICIENCY; CDG 2B. Identifiers: Orphanet 79330, MedGen C1853736, MONDO:0011629, OMIM 606056.

Allele frequency attached by ClinVar (database versions not stated): gnomAD 0.00001; TOPMed 0.00002.
gnomAD v4.1: 4 of 1,613,896 alleles (0.00025%); highest among the groups gnomAD compares: Non-Finnish European, 0.00034%; no homozygotes.

Submission:

Labcorp Genetics (formerly Invitae), Labcorp
Classification: Uncertain significance for MOGS-congenital disorder of glycosylation. Last evaluated: 2022-08-19. Review status: criteria provided, single submitter. Criteria: Invitae Variant Classification Sherloc (09022015). Collection method: clinical testing. Allele origin: germline.
Comment: This sequence change replaces aspartic acid, which is acidic and polar, with histidine, which is basic and polar, at codon 152 of the MOGS protein (p.Asp152His). This variant is not present in population databases (gnomAD no frequency). This variant has not been reported in the literature in individuals affected with MOGS-related conditions. Algorithms developed to predict the effect of missense changes on protein structure and function (SIFT, PolyPhen-2, Align-GVGD) all suggest that this variant is likely to be disruptive. In summary, the available evidence is currently insufficient to determine the role of this variant in disease. Therefore, it has been classified as a Variant of Uncertain Significance.

NM_006302.3(MOGS):c.454G>C (p.Asp152His)

Gene: MOGS (mannosyl-oligosaccharide glucosidase; minus strand). Cytogenetic location: 2p13.1.
Variant type: single nucleotide variant.
Coding change: c.454G>C on transcript NM_006302.3 (MANE Select); coding-DNA position 454, G replaced by C.
Protein change: p.Asp152His; replaces aspartic acid 152 with histidine.
Molecular consequence: missense variant.
Genome position (GRCh38, 1-based): chr2:74,464,621, C>G on the plus strand (G>C on the coding strand, the complement: MOGS is on the minus strand). VCF-style: chr2-74464621-C-G. GRCh37 (hg19) VCF-style: chr2-74691748-C-G.
Other names: c.136G>C, p.Asp46His (NM_001146158.2); short protein forms D46H, D152H.
Identifiers: ClinVar variation 2131342 (VCV002131342.1), dbSNP rs1029892555, ClinGen allele CA50476880.